The following is an entry in ClinVar:

NM_002485.5(NBN):c.1124+11_1124+13del

Gene: NBN (nibrin; minus strand). Cytogenetic location: 8q21.3.
Variant type: Microsatellite.
Coding change: c.1124+11_1124+13del on transcript NM_002485.5 (MANE Select); bases 11 to 13 of the intron after coding-DNA position 1124, 3 bases deleted (TTC; older notation c.1124+11_1124+13delTTC).
Molecular consequence: intron variant.
Genome position (GRCh38, 1-based): chr8:89,958,712-89,958,714, GAA deleted on the plus strand (TTC on the coding strand, the reverse complement: NBN is on the minus strand); deleting any 3 consecutive bases within chr8:89,958,712-89,958,718 gives the same sequence; the c. name uses the placement nearest the transcript's 3' end. VCF-style (leftmost placement, unchanged base first): chr8-89958711-TGAA-T. GRCh37 (hg19) VCF-style: chr8-90970939-TGAA-T.
Other names: c.878+11_878+13del (NM_001024688.3); c.1124+11_1124+13delTTC (NM_002485.4).
Identifiers: ClinVar variation 492076 (VCV000492076.16), dbSNP rs747584990, ClinGen allele CA4802802.
Genomic context (GRCh38, chr8:89,958,711, plus strand): 5'-GGCATTACTTCCTGAATATACTATTAATTTATTGATAGAATAATAACAATAGTACGGTAA[TGAA>T]GAAGCTTTACCATGTATCTGCTTGCTCTGATTCTGTGTCAGCTACGTATGTTGTAGTGTT-3'

ClinVar aggregate classification (germline): Benign/Likely benign. Review status: criteria provided, multiple submitters, no conflicts (2 of 4 stars). 5 submissions from 5 submitters: Benign (1); Likely benign (2). 2 of the submissions do not count toward it. Last evaluated 2025-12-28.

Conditions:
NBN-related disorder. Also called: NBN-related condition.
Malignant tumor of breast. Also called: Malignant breast neoplasm; Cancer breast. Identifiers: MedGen C0006142, MONDO:0007254. Disease mechanism: loss of function.
Microcephaly, normal intelligence and immunodeficiency (NBS). Also called: BERLIN BREAKAGE SYNDROME; Nijmegen breakage syndrome; Microcephaly with normal intelligence immunodeficiency and lymphoreticular malignancies; Nonsyndromal microcephaly autosomal recessive with normal intelligence; Seemanova syndrome 2; Ataxia telangiectasia variant V1. Identifiers: Orphanet 647, MedGen C0398791, MONDO:0009623, OMIM 251260.

Submissions (5):

Labcorp Genetics (formerly Invitae), Labcorp
Classification: Likely benign for Microcephaly, normal intelligence and immunodeficiency. Last evaluated: 2025-12-28. Review status: criteria provided, single submitter. Criteria: Invitae Variant Classification Sherloc (09022015). Collection method: clinical testing. Allele origin: germline.

Blueprint Genetics
Classification: Likely benign. Last evaluated: 2024-11-11. Review status: criteria provided, single submitter. Criteria: ACMG Guidelines, 2015. Collection method: clinical testing. Allele origin: germline.

GeneDx
Classification: Benign. Last evaluated: 2015-06-09. Review status: criteria provided, single submitter. Criteria: GeneDx Variant Classification (06012015). Collection method: clinical testing. Allele origin: germline. Affected: yes.
Comment: This variant is considered likely benign or benign based on one or more of the following criteria: it is a conservative change, it occurs at a poorly conserved position in the protein, it is predicted to be benign by multiple in silico algorithms, and/or has population frequency not consistent with disease.

PreventionGenetics, part of Exact Sciences
Classification: Likely benign for NBN-related condition. Last evaluated: 2020-04-03. Review status: no assertion criteria provided. Collection method: clinical testing. Allele origin: germline. Not counted in ClinVar's aggregate classification.
Comment: This variant is classified as likely benign based on ACMG/AMP sequence variant interpretation guidelines (Richards et al. 2015 PMID: 25741868, with internal and published modifications).

Department of Pathology and Laboratory Medicine, Sinai Health System
Classification: Likely benign for Malignant tumor of breast. Review status: no assertion criteria provided. Collection method: clinical testing. Allele origin: unknown. Affected: yes. Study: The Canadian Open Genetics Repository (COGR). Not counted in ClinVar's aggregate classification.
Comment: The NBN c.1124+11_1124+13del variant was not identified in the literature nor was it identified in the Zhejiang University database. The variant was identified in dbSNP (ID: rs747584990) as "With Likely benign allele", ClinVar (classified as benign by GeneDx and as likely benign by Color Genomics), and LOVD 3.0 (1x as likely benign). The variant was not identified in the following control databases: the Exome Aggregation Consortium (August 8th 2016) or the Genome Aggregation Database (Feb 27, 2017). The variant occurs outside of the splicing consensus sequence and in silico or computational prediction software programs (SpliceSiteFinder, MaxEntScan, NNSPLICE, GeneSplicer) do not predict a difference in splicing. In summary, based on the above information, the clinical significance of this variant cannot be determined with certainty at this time although we would lean towards a more benign role for this variant. This variant is classified as likely benign.